The following is an entry in ClinVar:

ClinVar aggregate classification (germline): Uncertain significance (1 of 4 stars; one submission).

Submission:

CeGaT Center for Human Genetics Tuebingen
Classification: Uncertain significance. Last evaluated: 2026-05-01. Review status: criteria provided, single submitter. Criteria: CeGaT Center For Human Genetics Tuebingen Variant Classification Criteria Version 2. Collection method: clinical testing. Allele origin: germline. Affected: yes. Observed: 1 variant allele.
Comment: ZNF292: PM2, PP2, PS2:Supporting

NM_015021.3(ZNF292):c.4117G>A (p.Gly1373Arg)

Gene: ZNF292 (zinc finger protein 292; plus strand). Cytogenetic location: 6q14.3.
Variant type: single nucleotide variant.
Coding change: c.4117G>A on transcript NM_015021.3 (MANE Select); coding-DNA position 4117, G replaced by A.
Protein change: p.Gly1373Arg; replaces glycine 1373 with arginine.
Molecular consequence: missense variant.
Genome position (GRCh38, 1-based): chr6:87,257,746, G>A. VCF-style: chr6-87257746-G-A. GRCh37 (hg19) VCF-style: chr6-87967464-G-A.
Other names: c.3697G>A, p.Gly1233Arg (NM_001351444.2); short protein forms G1233R, G1373R.
Identifiers: ClinVar variation 4875229 (VCV004875229.2).